The following is an entry in ClinVar:

ClinVar aggregate classification (germline): Benign/Likely benign. Review status: criteria provided, multiple submitters, no conflicts (2 of 4 stars). 2 submissions from 2 submitters: Benign (1); Likely benign (1). Last evaluated 2026-01-28.

Conditions:
MYO18B-related disorder. Also called: MYO18B-related condition.

Allele frequency attached by ClinVar (database versions not stated): gnomAD 0.00016 and 0.00019; gnomAD exomes 0.00018 and 0.00082; TOPMed 0.00046; 1000 Genomes Project 0.00060; 1000 Genomes Project 30x 0.00078; ExAC 0.00114.
gnomAD v4.1: 283 of 1,601,554 alleles (0.018%); highest among the groups gnomAD compares: Admixed American, 0.41%; 1 homozygote.

Submissions (2):

Labcorp Genetics (formerly Invitae), Labcorp
Classification: Benign. Last evaluated: 2026-01-28. Review status: criteria provided, single submitter. Criteria: Invitae Variant Classification Sherloc (09022015). Collection method: clinical testing. Allele origin: germline.

PreventionGenetics, part of Exact Sciences
Classification: Likely benign for MYO18B-related condition. Last evaluated: 2025-10-07. Review status: criteria provided, single submitter. Criteria: ACMG Guidelines, 2015. Collection method: clinical testing. Allele origin: germline.
Comment: This variant is classified as likely benign based on ACMG/AMP sequence variant interpretation guidelines (Richards et al. 2015 PMID: 25741868, with internal and published modifications).

NM_032608.7(MYO18B):c.3889G>A (p.Val1297Met)

Gene: MYO18B (myosin XVIIIB; plus strand). Cytogenetic location: 22q12.1.
Variant type: single nucleotide variant.
Coding change: c.3889G>A on transcript NM_032608.7 (MANE Select); coding-DNA position 3889, G replaced by A.
Protein change: p.Val1297Met; replaces valine 1297 with methionine.
Molecular consequence: missense variant.
Genome position (GRCh38, 1-based): chr22:25,868,323, G>A. VCF-style: chr22-25868323-G-A. GRCh37 (hg19) VCF-style: chr22-26264290-G-A.
Other names: c.3892G>A, p.Val1298Met (NM_001318245.2); short protein forms V1297M, V1298M.
Identifiers: ClinVar variation 714190 (VCV000714190.10), dbSNP rs143444239, ClinGen allele CA10160686.